The following is an entry in ClinVar:

ClinVar aggregate classification (germline): Uncertain significance. Review status: criteria provided, multiple submitters, no conflicts (2 of 4 stars). 2 submissions from 2 submitters: Uncertain significance (2). Last evaluated 2024-05-31.

Conditions:
Hereditary spherocytosis type 1. Also called: Spherocytosis type 1; ANK1-Related Spherocytosis. Identifiers: Orphanet 822, MedGen C2674218, MONDO:0008447, OMIM 182900.

gnomAD v4.1: 6 of 1,614,118 alleles (0.00037%); highest among the groups gnomAD compares: African/African-American, 0.008%; no homozygotes.

Submissions (2):

Revvity Omics, Revvity
Classification: Uncertain significance for Hereditary spherocytosis type 1. Last evaluated: 2024-05-31. Review status: criteria provided, single submitter. Criteria: ACMG Guidelines, 2015. Collection method: clinical testing. Allele origin: germline.

GeneDx
Classification: Uncertain significance. Last evaluated: 2024-04-01. Review status: criteria provided, single submitter. Criteria: GeneDx Variant Classification Process June 2021. Collection method: clinical testing. Allele origin: germline. Affected: yes.
Comment: In silico analysis supports that this missense variant does not alter protein structure/function; Has not been previously published as pathogenic or benign to our knowledge

NM_000037.4(ANK1):c.4822G>C (p.Glu1608Gln)

Gene: ANK1 (ankyrin 1; minus strand). Cytogenetic location: 8p11.21.
Variant type: single nucleotide variant.
Coding change: c.4822G>C on transcript NM_000037.4 (MANE Select); coding-DNA position 4822, G replaced by C.
Protein change: p.Glu1608Gln; replaces glutamic acid 1608 with glutamine.
Molecular consequence: missense variant. On other transcripts: intron variant (1).
Genome position (GRCh38, 1-based): chr8:41,672,628, C>G on the plus strand (G>C on the coding strand, the complement: ANK1 is on the minus strand). VCF-style: chr8-41672628-C-G. GRCh37 (hg19) VCF-style: chr8-41530146-C-G.
Other names: c.4945G>C, p.Glu1649Gln (NM_001142446.2); c.4822G>C, p.Glu1608Gln (NM_020475.3, NM_020476.3); c.4538-202G>C (NM_020477.3); short protein forms E1608Q, E1649Q.
Identifiers: ClinVar variation 3371935 (VCV003371935.2).
Genomic context (GRCh38, chr8:41,672,628, plus strand): 5'-AATCCACTGTGTCGTCCTCCACAAGTTCCAGAGAGCCCAACTCGGGGCCCCGCGGTTCCT[C>G]TGAGAGTGCCCCCTCCAACTTCCACTCGTGACCTGTGGCATCAGAGTCCTCAGCCTTGCT-3'
Protein context (NP_000028.3, residues 1598-1618): HEWKLEGALS[Glu1608Gln]EPRGPELGSL